The following is an entry in ClinVar:

ClinVar aggregate classification (germline): Uncertain significance (1 of 4 stars; one submission).

Conditions:
Cardiovascular phenotype. Identifiers: MedGen CN230736.

Submission:

Ambry Genetics
Classification: Uncertain significance for Cardiovascular phenotype. Last evaluated: 2026-03-29. Review status: criteria provided, single submitter. Criteria: Ambry Variant Classification Scheme 2023. Collection method: clinical testing. Allele origin: germline.
Comment: The p.G198D variant (also known as c.593G>A), located in coding exon 6 of the SPRED1 gene, results from a G to A substitution at nucleotide position 593. The glycine at codon 198 is replaced by aspartic acid, an amino acid with similar properties. This amino acid position is conserved. In addition, this alteration is predicted to be tolerated by in silico analysis. Based on the available evidence, the clinical significance of this variant remains unclear.

NM_152594.3(SPRED1):c.593G>A (p.Gly198Asp)

Gene: SPRED1 (sprouty related EVH1 domain containing 1; plus strand). Cytogenetic location: 15q14.
Variant type: single nucleotide variant.
Coding change: c.593G>A on transcript NM_152594.3 (MANE Select); coding-DNA position 593, G replaced by A.
Protein change: p.Gly198Asp; replaces glycine 198 with aspartic acid.
Molecular consequence: missense variant.
Genome position (GRCh38, 1-based): chr15:38,349,432, G>A. VCF-style: chr15-38349432-G-A. GRCh37 (hg19) VCF-style: chr15-38641633-G-A.
Other names: short protein forms G198D.
Identifiers: ClinVar variation 4865011 (VCV004865011.1).
Genomic context (GRCh38, chr15:38,349,432, plus strand): 5'-TTAAAAGTAAAATTCTTGTGTCATTTAAGTAGAAATTGTTTGTATTTTAGATAACATTTG[G>A]TCAGCCAGGCTTGGACATTCAGAGCAGAAGTATGGAATACGTACAGCGGCAAATATCCAA-3'
Protein context (NP_689807.1, residues 188-208): MQSQANQITF[Gly198Asp]QPGLDIQSRS